The following is an entry in ClinVar:

ClinVar aggregate classification (germline): Uncertain significance (1 of 4 stars; one submission).

Allele frequency attached by ClinVar (database versions not stated): gnomAD exomes below 0.00001 and 0.00002.
gnomAD v4.1: 7 of 1,614,230 alleles (0.00043%); highest among the groups gnomAD compares: Admixed American, 0.0067%; no homozygotes.

Submission:

Labcorp Genetics (formerly Invitae), Labcorp
Classification: Uncertain significance. Last evaluated: 2023-08-17. Review status: criteria provided, single submitter. Criteria: Invitae Variant Classification Sherloc (09022015). Collection method: clinical testing. Allele origin: germline.
Comment: This variant is present in population databases (no rsID available, gnomAD 0.009%). In summary, the available evidence is currently insufficient to determine the role of this variant in disease. Therefore, it has been classified as a Variant of Uncertain Significance. Advanced modeling of protein sequence and biophysical properties (such as structural, functional, and spatial information, amino acid conservation, physicochemical variation, residue mobility, and thermodynamic stability) has been performed at Invitae for this missense variant, however the output from this modeling did not meet the statistical confidence thresholds required to predict the impact of this variant on TRPM1 protein function. ClinVar contains an entry for this variant (Variation ID: 1060431). This variant has not been reported in the literature in individuals affected with TRPM1-related conditions. This sequence change replaces aspartic acid, which is acidic and polar, with valine, which is neutral and non-polar, at codon 1394 of the TRPM1 protein (p.Asp1394Val).

NM_001252024.2(TRPM1):c.4247A>T (p.Asp1416Val)

Gene: TRPM1 (transient receptor potential cation channel subfamily M member 1; minus strand). Cytogenetic location: 15q13.3.
Variant type: single nucleotide variant.
Coding change: c.4247A>T on transcript NM_001252024.2 (MANE Select); coding-DNA position 4247, A replaced by T.
Protein change: p.Asp1416Val; replaces aspartic acid 1416 with valine.
Molecular consequence: missense variant.
Genome position (GRCh38, 1-based): chr15:31,002,453, T>A on the plus strand (A>T on the coding strand, the complement: TRPM1 is on the minus strand). VCF-style: chr15-31002453-T-A. GRCh37 (hg19) VCF-style: chr15-31294656-T-A.
Other names: c.4298A>T, p.Asp1433Val (NM_001252020.2); c.4181A>T, p.Asp1394Val (NM_002420.6); short protein forms D1394V, D1416V, D1433V.
Identifiers: ClinVar variation 1060431 (VCV001060431.9), dbSNP rs1409852330, ClinGen allele CA391526657.